The following is an entry in ClinVar:

NM_015102.5(NPHP4):c.2877G>C (p.Arg959=)

Gene: NPHP4 (nephrocystin 4; minus strand). Cytogenetic location: 1p36.31.
Variant type: single nucleotide variant.
Coding change: c.2877G>C on transcript NM_015102.5 (MANE Select); coding-DNA position 2877, G replaced by C.
Protein change: p.Arg959=; no amino-acid change (arginine 959 retained).
Molecular consequence: synonymous variant. On other transcripts: non-coding transcript variant (1).
Genome position (GRCh38, 1-based): chr1:5,875,041, C>G on the plus strand (G>C on the coding strand, the complement: NPHP4 is on the minus strand). VCF-style: chr1-5875041-C-G. GRCh37 (hg19) VCF-style: chr1-5935101-C-G.
Other names: c.1338G>C, p.Arg446= (NM_001291593.2); c.1341G>C, p.Arg447= (NM_001291594.2); c.2877G>C (NM_015102.4).
Identifiers: ClinVar variation 1108815 (VCV001108815.11), dbSNP rs753858949, ClinGen allele CA553889.
Genomic context (GRCh38, chr1:5,875,041, plus strand): 5'-GTGCTCCGTGGTGATGGCCAGGCTCAGCAGGCTGGCGATGCTCTCGGCCTTCGTGCGTTC[C>G]CGGTAGGCGGCGATGACCTGTAGGTCCCGCAAGTGCTGTGTGCGGACGCTCTGCTGCGCC-3'
Protein context (NP_055917.1, residues 949-969): LRDLQVIAAY[Arg959=]ERTKAESIAS

ClinVar aggregate classification (germline): Likely benign. Review status: criteria provided, single submitter (1 of 4 stars). 2 submissions from 2 submitters: Likely benign (1). 1 of the submissions does not count toward it. Last evaluated 2025-01-31.

Conditions:
NPHP4-related disorder. Also called: NPHP4-related condition; NPHP4-related disorders. Identifiers: MedGen CN239384.
Nephronophthisis. Also called: Juvenile Nephronophthisis. Identifiers: Orphanet 655, MedGen C0687120, MONDO:0019005, HP:0000090.

Allele frequency attached by ClinVar (database versions not stated): gnomAD exomes below 0.00001; ExAC 0.00001; TOPMed 0.00001.

Submissions (2):

Labcorp Genetics (formerly Invitae), Labcorp
Classification: Likely benign for Nephronophthisis. Last evaluated: 2025-01-31. Review status: criteria provided, single submitter. Criteria: Invitae Variant Classification Sherloc (09022015). Collection method: clinical testing. Allele origin: germline.

PreventionGenetics, part of Exact Sciences
Classification: Likely benign for NPHP4-related condition. Last evaluated: 2023-05-08. Review status: no assertion criteria provided. Collection method: clinical testing. Allele origin: germline. Not counted in ClinVar's aggregate classification.
Comment: This variant is classified as likely benign based on ACMG/AMP sequence variant interpretation guidelines (Richards et al. 2015 PMID: 25741868, with internal and published modifications).